The following is an entry in ClinVar:

NM_001378454.1(ALMS1):c.12271A>G (p.Asn4091Asp)

Genes: ALMS1 (ALMS1 centrosome and basal body associated protein; plus strand), LOC126806252 (BRD4-independent group 4 enhancer GRCh37_chr2:73828496-73829695; plus strand). Cytogenetic location: 2p13.1.
Variant type: single nucleotide variant.
Coding change: c.12271A>G on transcript NM_001378454.1 (MANE Select); coding-DNA position 12271, A replaced by G.
Protein change: p.Asn4091Asp; replaces asparagine 4091 with aspartic acid.
Molecular consequence: missense variant.
Genome position (GRCh38, 1-based): chr2:73,602,341, A>G. VCF-style: chr2-73602341-A-G. GRCh37 (hg19) VCF-style: chr2-73829468-A-G.
Other names: c.12274A>G, p.Asn4092Asp (NM_015120.4); short protein forms N4091D, N4092D.
Identifiers: ClinVar variation 3347603 (VCV003347603.1).

ClinVar aggregate classification (germline): Uncertain significance (0 of 4 stars; one submission).

Conditions:
ALMS1-related disorder. Also called: ALMS1-related condition.

gnomAD v4.1: 5 of 1,614,164 alleles (0.00031%); highest among the groups gnomAD compares: Non-Finnish European, 0.00042%; no homozygotes.

Submission:

PreventionGenetics, part of Exact Sciences
Classification: Uncertain significance for ALMS1-related condition. Last evaluated: 2024-06-20. Review status: no assertion criteria provided. Collection method: clinical testing. Allele origin: germline.
Comment: The ALMS1 c.12274A>G variant is predicted to result in the amino acid substitution p.Met4092Val. To our knowledge, this variant has not been reported in the literature or in a large population database, indicating this variant is rare. At this time, the clinical significance of this variant is uncertain due to the absence of conclusive functional and genetic evidence.